The following is an entry in ClinVar:

ClinVar aggregate classification (germline): Likely benign (1 of 4 stars; one submission).

Allele frequency attached by ClinVar (database versions not stated): gnomAD exomes below 0.00001 and 0.00002; ExAC 0.00001; TOPMed 0.00006; gnomAD 0.00007 and 0.00009; ESP Exome Variant Server 0.00015.
gnomAD v4.1: 17 of 1,499,344 alleles (0.0011%); highest among the groups gnomAD compares: African/African-American, 0.019%; no homozygotes.

Submission:

GeneDx
Classification: Likely benign. Last evaluated: 2016-09-21. Review status: criteria provided, single submitter. Criteria: GeneDx Variant Classification (06012015). Collection method: clinical testing. Allele origin: germline. Affected: yes.
Comment: This variant is considered likely benign or benign based on one or more of the following criteria: it is a conservative change, it occurs at a poorly conserved position in the protein, it is predicted to be benign by multiple in silico algorithms, and/or has population frequency not consistent with disease.

NM_007254.4(PNKP):c.*17C>T

Gene: PNKP (polynucleotide kinase 3'-phosphatase; minus strand). Cytogenetic location: 19q13.33.
Variant type: single nucleotide variant.
Coding change: c.*17C>T on transcript NM_007254.4 (MANE Select); 17 bases downstream of the stop codon, C replaced by T.
Molecular consequence: 3 prime UTR variant.
Genome position (GRCh38, 1-based): chr19:49,861,231, G>A on the plus strand (C>T on the coding strand, the complement: PNKP is on the minus strand). VCF-style: chr19-49861231-G-A. GRCh37 (hg19) VCF-style: chr19-50364488-G-A.
Identifiers: ClinVar variation 389111 (VCV000389111.1), dbSNP rs374836478, ClinGen allele CA9586300.